The following is an entry in ClinVar:

NM_000257.4(MYH7):c.1556C>T (p.Ala519Val)

Gene: MYH7 (myosin heavy chain 7; minus strand). Cytogenetic location: 14q11.2.
Variant type: single nucleotide variant.
Coding change: c.1556C>T on transcript NM_000257.4 (MANE Select); coding-DNA position 1556, C replaced by T.
Protein change: p.Ala519Val; replaces alanine 519 with valine.
Molecular consequence: missense variant.
Genome position (GRCh38, 1-based): chr14:23,428,522, G>A on the plus strand (C>T on the coding strand, the complement: MYH7 is on the minus strand). VCF-style: chr14-23428522-G-A. GRCh37 (hg19) VCF-style: chr14-23897731-G-A.
Other names: c.1556C>T, p.Ala519Val (NM_001407004.1); short protein forms A519V.
Identifiers: ClinVar variation 2689495 (VCV002689495.7), dbSNP rs1555338241, ClinGen allele CA389050333.

ClinVar aggregate classification (germline): Uncertain significance. Review status: criteria provided, multiple submitters, no conflicts (2 of 4 stars). 4 submissions from 4 submitters: Uncertain significance (4). Last evaluated 2025-07-08.

Conditions:
Hypertrophic cardiomyopathy. Also called: HYPERTROPHIC MYOCARDIOPATHY. Identifiers: Orphanet 217569, MedGen C0007194, MeSH D002312, MONDO:0005045, HP:0001639.
Cardiomyopathy (CMYO). Also called: Cardiomyopathies. Identifiers: Orphanet 167848, MedGen C0878544, MONDO:0004994, HP:0001638. Inheritance: Various modes of inheritance.

Allele frequency attached by ClinVar (database versions not stated): gnomAD exomes below 0.00001.
gnomAD v4.1: 1 of 1,614,190 alleles (0.000062%); highest among the groups gnomAD compares: Non-Finnish European, 0.000085%; no homozygotes.

Submissions (4):

Labcorp Genetics (formerly Invitae), Labcorp
Classification: Uncertain significance for Hypertrophic cardiomyopathy. Last evaluated: 2025-07-08. Review status: criteria provided, single submitter. Criteria: Invitae Variant Classification Sherloc (09022015). Collection method: clinical testing. Allele origin: germline.
Comment: This sequence change replaces alanine, which is neutral and non-polar, with valine, which is neutral and non-polar, at codon 519 of the MYH7 protein (p.Ala519Val). This variant is not present in population databases (gnomAD no frequency). This variant has not been reported in the literature in individuals affected with MYH7-related conditions. ClinVar contains an entry for this variant (Variation ID: 2689495). Invitae Evidence Modeling of protein sequence and biophysical properties (such as structural, functional, and spatial information, amino acid conservation, physicochemical variation, residue mobility, and thermodynamic stability) indicates that this missense variant is expected to disrupt MYH7 protein function with a positive predictive value of 95%. Algorithms developed to predict the effect of sequence changes on RNA splicing suggest that this variant may create or strengthen a splice site. In summary, the available evidence is currently insufficient to determine the role of this variant in disease. Therefore, it has been classified as a Variant of Uncertain Significance.

All of Us Research Program, National Institutes of Health
Classification: Uncertain significance for Cardiomyopathy. Last evaluated: 2024-04-25. Review status: criteria provided, single submitter. Criteria: ACMG Guidelines, 2015. Collection method: clinical testing. Allele origin: germline. Inheritance: Autosomal dominant inheritance. Observed: 1 variant allele, 1 heterozygote.
Comment: This missense variant replaces alanine with valine at codon 519 of the MYH7 protein. Computational prediction tools indicate that this variant has a deleterious impact on protein structure and function. This variant is found within a highly conserved region of the myosin head domain. Missense variants in this region have been shown to be significantly overrepresented in individuals with affected with hypertrophic cardiomyopathy (PMID: 27532257). To our knowledge, functional studies have not been reported for this variant. This variant has not been reported in individuals affected with MYH7-related disorders in the literature. This variant has not been identified in the general population by the Genome Aggregation Database (gnomAD). The available evidence is insufficient to determine the role of this variant in disease conclusively. Therefore, this variant is classified as a Variant of Uncertain Significance.

This study involves interpretation of variants in research participants for the purpose of population health screening. Participant phenotype was not available at the time of variant classification. Additional details can be found in publication PMID: 35346344, PMCID: PMC8962531

Color Diagnostics, LLC DBA Color Health
Classification: Uncertain significance for Cardiomyopathy. Last evaluated: 2024-04-11. Review status: criteria provided, single submitter. Criteria: ACMG Guidelines, 2015. Collection method: clinical testing. Allele origin: germline.
Comment: This missense variant replaces alanine with valine at codon 519 of the MYH7 protein. Computational prediction tools indicate that this variant has a deleterious impact on protein structure and function. This variant is found within a highly conserved region of the myosin head domain. Missense variants in this region have been shown to be significantly overrepresented in individuals with affected with hypertrophic cardiomyopathy (PMID: 27532257). To our knowledge, functional studies have not been reported for this variant. This variant has not been reported in individuals affected with MYH7-related disorders in the literature. This variant has not been identified in the general population by the Genome Aggregation Database (gnomAD). The available evidence is insufficient to determine the role of this variant in disease conclusively. Therefore, this variant is classified as a Variant of Uncertain Significance.

Revvity Omics, Revvity
Classification: Uncertain significance. Last evaluated: 2023-08-11. Review status: criteria provided, single submitter. Criteria: ACMG Guidelines, 2015. Collection method: clinical testing. Allele origin: germline.

Literature cited by the submitters: PubMed 27532257 (cited by All of Us Research Program, National Institutes of Health and Color Diagnostics, LLC DBA Color Health).